The following is an entry in ClinVar:

NM_000083.3(CLCN1):c.1471+5_1471+11del

Gene: CLCN1 (chloride voltage-gated channel 1; plus strand). Cytogenetic location: 7q34.
Variant type: Deletion.
Coding change: c.1471+5_1471+11del on transcript NM_000083.3 (MANE Select); bases 5 to 11 of the intron after coding-DNA position 1471, 7 bases deleted (GTTCTGA; older notation c.1471+5_1471+11delGTTCTGA).
Molecular consequence: intron variant.
Genome position (GRCh38, 1-based): chr7:143,339,327-143,339,333, GTTCTGA deleted; deleting any 7 consecutive bases within chr7:143,339,326-143,339,333 gives the same sequence; the c. name uses the placement nearest the transcript's 3' end. VCF-style (leftmost placement, unchanged base first): chr7-143339325-AAGTTCTG-A. GRCh37 (hg19) VCF-style: chr7-143036418-AAGTTCTG-A.
Identifiers: ClinVar variation 1684119 (VCV001684119.2), dbSNP rs2116864882, ClinGen allele CA2573141804.

ClinVar aggregate classification (germline): Uncertain significance (1 of 4 stars; one submission).

Submission:

GeneDx
Classification: Uncertain significance. Last evaluated: 2022-05-16. Review status: criteria provided, single submitter. Criteria: GeneDx Variant Classification Process June 2021. Collection method: clinical testing. Allele origin: germline. Affected: yes.
Comment: Reported previously as a likely pathogenic variant in a patient with myotonia (Brugnon et al., 2021); Not observed at significant frequency in large population cohorts (gnomAD); In-silico analysis, which includes splice predictors and evolutionary conservation, is inconclusive as to whether the variant alters gene splicing. In the absence of RNA/functional studies, the actual effect of this sequence change is unknown.; This variant is associated with the following publications: (PMID: 33573884)